The following is an entry in ClinVar:

NM_000093.5(COL5A1):c.2646+287G>A

Gene: COL5A1 (collagen type V alpha 1 chain; plus strand). Cytogenetic location: 9q34.3.
Variant type: single nucleotide variant.
Coding change: c.2646+287G>A on transcript NM_000093.5 (MANE Select); 287 bases into the intron after coding-DNA position 2646, G replaced by A.
Molecular consequence: intron variant.
Genome position (GRCh38, 1-based): chr9:134,786,335, G>A. VCF-style: chr9-134786335-G-A. GRCh37 (hg19) VCF-style: chr9-137678181-G-A.
Other names: c.2646+287G>A (NM_001278074.1).
Identifiers: ClinVar variation 669633 (VCV000669633.1), dbSNP rs13286048, ClinGen allele CA201105656.

ClinVar aggregate classification (germline): Benign (1 of 4 stars; one submission).

Allele frequency attached by ClinVar (database versions not stated): 1000 Genomes Project 30x 0.03310; 1000 Genomes Project 0.03335; TOPMed 0.04925; gnomAD 0.05059 and 0.05214.
gnomAD v4.1: 7,676 of 152,300 alleles (5%); highest among the groups gnomAD compares: Non-Finnish European, 5.7%; 211 homozygotes.

Submission:

GeneDx
Classification: Benign. Last evaluated: 2018-06-14. Review status: criteria provided, single submitter. Criteria: GeneDx Variant Classification (06012015). Collection method: clinical testing. Allele origin: germline. Affected: yes.
Comment: This variant is considered likely benign or benign based on one or more of the following criteria: it is a conservative change, it occurs at a poorly conserved position in the protein, it is predicted to be benign by multiple in silico algorithms, and/or has population frequency not consistent with disease.